The following is an entry in ClinVar:

ClinVar aggregate classification (germline): Uncertain significance (1 of 4 stars; one submission).

Conditions:
Hereditary breast ovarian cancer syndrome. Also called: Hereditary breast and ovarian cancer; Hereditary breast and ovarian cancer syndrome; Hereditary breast and/or ovarian cancer syndrome; Hereditary breast and ovarian cancer syndrome (HBOC); Breast and ovarian cancer; BRCA1- and BRCA2-Associated Hereditary Breast and Ovarian Cancer. Identifiers: Orphanet 145, MedGen C0677776, MeSH D061325, MONDO:0003582. Disease mechanism: loss of function.

Submission:

Labcorp Genetics (formerly Invitae), Labcorp
Classification: Uncertain significance for Hereditary breast ovarian cancer syndrome. Last evaluated: 2021-01-01. Review status: criteria provided, single submitter. Criteria: Invitae Variant Classification Sherloc (09022015). Collection method: clinical testing. Allele origin: germline.
Comment: This sequence change replaces histidine with tyrosine at codon 2563 of the BRCA2 protein (p.His2563Tyr). The histidine residue is weakly conserved and there is a moderate physicochemical difference between histidine and tyrosine. This variant is not present in population databases (ExAC no frequency). This variant has not been reported in the literature in individuals with BRCA2-related conditions. Advanced modeling of protein sequence and biophysical properties (such as structural, functional, and spatial information, amino acid conservation, physicochemical variation, residue mobility, and thermodynamic stability) performed at Invitae indicates that this missense variant is not expected to disrupt BRCA2 protein function. In summary, the available evidence is currently insufficient to determine the role of this variant in disease. Therefore, it has been classified as a Variant of Uncertain Significance.

NM_000059.4(BRCA2):c.7687C>T (p.His2563Tyr)

Gene: BRCA2 (BRCA2 DNA repair associated; plus strand). Cytogenetic location: 13q13.1.
Variant type: single nucleotide variant.
Coding change: c.7687C>T on transcript NM_000059.4 (MANE Select); coding-DNA position 7687, C replaced by T.
Protein change: p.His2563Tyr; replaces histidine 2563 with tyrosine.
Molecular consequence: missense variant.
Genome position (GRCh38, 1-based): chr13:32,357,811, C>T. VCF-style: chr13-32357811-C-T. GRCh37 (hg19) VCF-style: chr13-32931948-C-T.
Other names: short protein forms H2563Y.
Identifiers: ClinVar variation 1489800 (VCV001489800.8), dbSNP rs2137566779, ClinGen allele CA387745162.